The following is an entry in ClinVar:

ClinVar aggregate classification (germline): Uncertain significance. Review status: criteria provided, multiple submitters, no conflicts (2 of 4 stars). 2 submissions from 2 submitters: Uncertain significance (2). Last evaluated 2024-02-21.

Conditions:
Inborn genetic diseases. Identifiers: MedGen C0950123, MeSH D030342.
Ehlers-Danlos syndrome, dermatosparaxis type. Also called: Dermatosparaxis; Ehlers-Danlos syndrome, type VII, autosomal recessive; EDS VIIC. Identifiers: Orphanet 1901, MedGen C2700425, MONDO:0009161, OMIM 225410.

Allele frequency attached by ClinVar (database versions not stated): gnomAD 0.00001; gnomAD exomes 0.00001; ExAC 0.00003.
gnomAD v4.1: 13 of 1,614,004 alleles (0.00081%); highest among the groups gnomAD compares: East Asian, 0.0022%; no homozygotes.

Submissions (2):

Labcorp Genetics (formerly Invitae), Labcorp
Classification: Uncertain significance for Ehlers-Danlos syndrome, dermatosparaxis type. Last evaluated: 2024-02-21. Review status: criteria provided, single submitter. Criteria: Invitae Variant Classification Sherloc (09022015). Collection method: clinical testing. Allele origin: germline.
Comment: This sequence change replaces arginine, which is basic and polar, with glutamine, which is neutral and polar, at codon 560 of the ADAMTS2 protein (p.Arg560Gln). This variant is present in population databases (rs745962081, gnomAD 0.004%). This variant has not been reported in the literature in individuals affected with ADAMTS2-related conditions. ClinVar contains an entry for this variant (Variation ID: 2222807). An algorithm developed to predict the effect of missense changes on protein structure and function (PolyPhen-2) suggests that this variant¬¨‚Ä†is likely to be tolerated. Algorithms developed to predict the effect of sequence changes on RNA splicing suggest that this variant may disrupt the consensus splice site. In summary, the available evidence is currently insufficient to determine the role of this variant in disease. Therefore, it has been classified as a Variant of Uncertain Significance.

Ambry Genetics
Classification: Uncertain significance for Inborn genetic diseases. Last evaluated: 2022-01-26. Review status: criteria provided, single submitter. Criteria: Ambry Variant Classification Scheme 2023. Collection method: clinical testing. Allele origin: germline.

NM_014244.5(ADAMTS2):c.1679G>A (p.Arg560Gln)

Gene: ADAMTS2 (ADAM metallopeptidase with thrombospondin type 1 motif 2; minus strand). Cytogenetic location: 5q35.3.
Variant type: single nucleotide variant.
Coding change: c.1679G>A on transcript NM_014244.5 (MANE Select); coding-DNA position 1679, G replaced by A.
Protein change: p.Arg560Gln; replaces arginine 560 with glutamine.
Molecular consequence: missense variant.
Genome position (GRCh38, 1-based): chr5:179,139,986, C>T on the plus strand (G>A on the coding strand, the complement: ADAMTS2 is on the minus strand). VCF-style: chr5-179139986-C-T. GRCh37 (hg19) VCF-style: chr5-178566987-C-T.
Other names: short protein forms R560Q.
Identifiers: ClinVar variation 2222807 (VCV002222807.4), dbSNP rs745962081, ClinGen allele CA3595811.